The following is an entry in ClinVar:

NM_001292063.2(OTOG):c.1663G>A (p.Val555Ile)

Gene: OTOG (otogelin; plus strand). Cytogenetic location: 11p15.1.
Variant type: single nucleotide variant.
Coding change: c.1663G>A on transcript NM_001292063.2 (MANE Select); coding-DNA position 1663, G replaced by A.
Protein change: p.Val555Ile; replaces valine 555 with isoleucine.
Molecular consequence: missense variant.
Genome position (GRCh38, 1-based): chr11:17,569,174, G>A. VCF-style: chr11-17569174-G-A. GRCh37 (hg19) VCF-style: chr11-17590721-G-A.
Other names: c.1699G>A, p.Val567Ile (NM_001277269.2); short protein forms V555I, V567I.
Identifiers: ClinVar variation 2789365 (VCV002789365.3), dbSNP rs2497410587, ClinGen allele CA379819326.

ClinVar aggregate classification (germline): Uncertain significance (1 of 4 stars; one submission).

Submission:

Labcorp Genetics (formerly Invitae), Labcorp
Classification: Uncertain significance. Last evaluated: 2023-09-19. Review status: criteria provided, single submitter. Criteria: Invitae Variant Classification Sherloc (09022015). Collection method: clinical testing. Allele origin: germline.
Comment: This variant is not present in population databases (gnomAD no frequency). This sequence change replaces valine, which is neutral and non-polar, with isoleucine, which is neutral and non-polar, at codon 567 of the OTOG protein (p.Val567Ile). In summary, the available evidence is currently insufficient to determine the role of this variant in disease. Therefore, it has been classified as a Variant of Uncertain Significance. Algorithms developed to predict the effect of missense changes on protein structure and function output the following: SIFT: "Not Available"; PolyPhen-2: "Benign"; Align-GVGD: "Not Available". The isoleucine amino acid residue is found in multiple mammalian species, which suggests that this missense change does not adversely affect protein function. This variant has not been reported in the literature in individuals affected with OTOG-related conditions.